The following is an entry in ClinVar:

NM_001742.4(CALCR):c.1340T>C (p.Leu447Pro)

Gene: CALCR (calcitonin receptor; minus strand). Cytogenetic location: 7q21.3.
Variant type: single nucleotide variant.
Coding change: c.1340T>C on transcript NM_001742.4 (MANE Select); coding-DNA position 1340, T replaced by C.
Protein change: p.Leu447Pro; replaces leucine 447 with proline.
Molecular consequence: missense variant.
Genome position (GRCh38, 1-based): chr7:93,426,441, A>G on the plus strand (T>C on the coding strand, the complement: CALCR is on the minus strand). VCF-style: chr7-93426441-A-G. GRCh37 (hg19) VCF-style: chr7-93055753-A-G.
Other names: P463L; c.1388T>C, p.Leu463Pro (NM_001164737.3); c.1340T>C, p.Leu447Pro (NM_001164738.2); short protein forms L447P, L463P.
Identifiers: ClinVar variation 17636 (VCV000017636.6), dbSNP rs1801197, ClinGen allele CA127309.

ClinVar aggregate classification (germline): Benign. Review status: criteria provided, multiple submitters, no conflicts (2 of 4 stars). 4 submissions from 4 submitters: Benign (2). 2 of the submissions do not count toward it. Last evaluated 2018-11-10.

Conditions:
Osteoporosis, susceptibility to (BMND15). Also called: BONE MINERAL DENSITY QUANTITATIVE TRAIT LOCUS 15; COMPRESSION FRACTURE, SUSCEPTIBILITY TO; METAPHYSEAL FRACTURE, SUSCEPTIBILITY TO. Identifiers: MedGen C3150680, OMIM 613418.
CALCR-related disorder. Also called: CALCR-related condition.

Allele frequency attached by ClinVar (database versions not stated): gnomAD exomes 0.30435 and 0.38594; gnomAD 0.35816 and 0.36884; ExAC 0.38003; TOPMed 0.38784; 1000 Genomes Project 30x 0.53342; 1000 Genomes Project 0.54353.
gnomAD v4.1: 503,017 of 1,612,250 alleles (31%); highest among the groups gnomAD compares: East Asian, 87%; 92,486 homozygotes.

Submissions (4):

GeneDx
Classification: Benign. Last evaluated: 2018-11-10. Review status: criteria provided, single submitter. Criteria: GeneDx Variant Classification Process June 2021. Collection method: clinical testing. Allele origin: germline. Affected: yes.
Comment: This variant is associated with the following publications: (PMID: 9675109)

Breakthrough Genomics
Classification: Benign. Review status: criteria provided, single submitter. Criteria: ACMG Guidelines, 2015. Collection method: not provided. Allele origin: germline. Inheritance: Autosomal dominant inheritance. Affected: yes.

PreventionGenetics, part of Exact Sciences
Classification: Benign for CALCR-related condition. Last evaluated: 2019-10-18. Review status: no assertion criteria provided. Collection method: clinical testing. Allele origin: germline. Not counted in ClinVar's aggregate classification.
Comment: This variant is classified as benign based on ACMG/AMP sequence variant interpretation guidelines (Richards et al. 2015 PMID: 25741868, with internal and published modifications).

OMIM
Classification: risk factor for OSTEOPOROSIS, SUSCEPTIBILITY TO. Last evaluated: 1998-12-01. Review status: no assertion criteria provided. Collection method: literature only. Allele origin: germline. Not counted in ClinVar's aggregate classification.

Literature cited by the submitters: PubMed 9003491 (cited by OMIM); PubMed 9571205 (cited by OMIM); Taboulet, J., Frendo, J. L., Delage-Murroux, R., Pichaud, F., de Vernejoul, M. C., Jullienne, A. Evidence for 2 allelic forms of calcitonin receptor gene: distribution in normal and osteoporotic women. (Abstract) J. Bone Miner. Res. 11 (suppl. 1): S204, 1996. (cited by OMIM); PubMed 9817931 (cited by OMIM); de Vernejoul, M.-C. Personal Communication. 1999. Paris, France (cited by OMIM).